The following is an entry in ClinVar:

ClinVar aggregate classification (germline): Pathogenic. Review status: criteria provided, multiple submitters, no conflicts (2 of 4 stars). 4 submissions from 4 submitters: Pathogenic (4). Last evaluated 2025-01-30.

Conditions:
Familial cancer of breast. Also called: BREAST CANCER, FAMILIAL; Hereditary breast cancer; hereditary breast carcinoma. Identifiers: Orphanet 227535, MedGen C0346153, MONDO:0016419, OMIM 114480. Disease mechanism: loss of function.
Hereditary cancer-predisposing syndrome. Also called: Hereditary neoplastic syndrome; Neoplastic Syndromes, Hereditary; Tumor predisposition; Hereditary Cancer Syndrome. Identifiers: Orphanet 140162, MedGen C0027672, MeSH D009386, MONDO:0015356.

Submissions (4):

Labcorp Genetics (formerly Invitae), Labcorp
Classification: Pathogenic for Familial cancer of breast. Last evaluated: 2025-01-30. Review status: criteria provided, single submitter. Criteria: Invitae Variant Classification Sherloc (09022015). Collection method: clinical testing. Allele origin: germline.
Comment: This sequence change creates a premature translational stop signal (p.Lys649*) in the PALB2 gene. It is expected to result in an absent or disrupted protein product. Loss-of-function variants in PALB2 are known to be pathogenic (PMID: 17200668, 17200671, 17200672, 24136930, 25099575). This variant is not present in population databases (gnomAD no frequency). This variant has not been reported in the literature in individuals affected with PALB2-related conditions. ClinVar contains an entry for this variant (Variation ID: 481029). For these reasons, this variant has been classified as Pathogenic.

Ambry Genetics
Classification: Pathogenic for Hereditary cancer-predisposing syndrome. Last evaluated: 2024-07-16. Review status: criteria provided, single submitter. Criteria: Ambry Variant Classification Scheme 2023. Collection method: clinical testing. Allele origin: germline.
Comment: The p.K649* pathogenic mutation (also known as c.1945A>T), located in coding exon 5 of the PALB2 gene, results from an A to T substitution at nucleotide position 1945. This changes the amino acid from a lysine to a stop codon within coding exon 5. This variant is considered to be rare based on population cohorts in the Genome Aggregation Database (gnomAD). This alteration is expected to result in loss of function by premature protein truncation or nonsense-mediated mRNA decay. As such, this alteration is interpreted as a disease-causing mutation.

Molecular Pathology, Peter Maccallum Cancer Centre
Classification: Pathogenic for Familial cancer of breast. Last evaluated: 2024-05-30. Review status: criteria provided, single submitter. Criteria: ACMG Guidelines, 2015. Collection method: clinical testing. Allele origin: germline. Inheritance: Autosomal dominant inheritance.

Myriad Genetics, Inc.
Classification: Pathogenic for Familial cancer of breast. Last evaluated: 2023-09-12. Review status: criteria provided, single submitter. Criteria: Myriad Autosomal Dominant, Autosomal Recessive and X-Linked Classification Criteria (2023). Collection method: clinical testing. Allele origin: unknown.
Comment: This variant is considered pathogenic. This variant creates a termination codon and is predicted to result in premature protein truncation.

Literature cited by the submitters: PubMed 17200668 (cited by Labcorp Genetics (formerly Invitae), Labcorp); PubMed 17200671 (cited by Labcorp Genetics (formerly Invitae), Labcorp); PubMed 17200672 (cited by Labcorp Genetics (formerly Invitae), Labcorp); PubMed 24136930 (cited by Labcorp Genetics (formerly Invitae), Labcorp); PubMed 25099575 (cited by Labcorp Genetics (formerly Invitae), Labcorp).

NM_024675.4(PALB2):c.1945A>T (p.Lys649Ter)

Gene: PALB2 (partner and localizer of BRCA2; minus strand). Cytogenetic location: 16p12.2.
Variant type: single nucleotide variant.
Coding change: c.1945A>T on transcript NM_024675.4 (MANE Select); coding-DNA position 1945, A replaced by T.
Protein change: p.Lys649Ter; replaces lysine 649 with a stop codon.
Molecular consequence: nonsense.
Genome position (GRCh38, 1-based): chr16:23,630,209, T>A on the plus strand (A>T on the coding strand, the complement: PALB2 is on the minus strand). VCF-style: chr16-23630209-T-A. GRCh37 (hg19) VCF-style: chr16-23641530-T-A.
Other names: short protein forms K649*.
Identifiers: ClinVar variation 481029 (VCV000481029.17), dbSNP rs1555460579, ClinGen allele CA395127417.